The following is an entry in ClinVar:

NM_002878.4(RAD51D):c.738+4A>G

Genes: RAD51D (RAD51 paralog D; minus strand), RAD51L3-RFFL (RAD51L3-RFFL readthrough; minus strand). Cytogenetic location: 17q12.
Variant type: single nucleotide variant.
Coding change: c.738+4A>G on transcript NM_002878.4 (MANE Select); 4 bases into the intron after coding-DNA position 738, A replaced by G.
Molecular consequence: intron variant.
Genome position (GRCh38, 1-based): chr17:35,103,250, T>C on the plus strand (A>G on the coding strand, the complement: RAD51D is on the minus strand). VCF-style: chr17-35103250-T-C. GRCh37 (hg19) VCF-style: chr17-33430269-T-C.
Other names: c.402+4A>G (NM_133629.3); c.798+4A>G (NM_001142571.2).
Identifiers: ClinVar variation 480880 (VCV000480880.14), dbSNP rs78969643, ClinGen allele CA289994145.

ClinVar aggregate classification (germline): Conflicting classifications of pathogenicity. Review status: criteria provided, conflicting classifications (1 of 4 stars). 3 submissions from 3 submitters: Likely pathogenic (1); Uncertain significance (2). Last evaluated 2026-01-23.

Conditions:
Hereditary cancer-predisposing syndrome. Also called: Tumor predisposition; Hereditary Cancer Syndrome; Neoplastic Syndromes, Hereditary; Hereditary neoplastic syndrome. Identifiers: Orphanet 140162, MedGen C0027672, MeSH D009386, MONDO:0015356.
Breast-ovarian cancer, familial, susceptibility to, 4. Identifiers: Orphanet 145, MedGen C3280345, MONDO:0013669, OMIM 614291.

Submissions (3):

Ambry Genetics
Classification: Likely pathogenic for Hereditary cancer-predisposing syndrome. Last evaluated: 2026-01-23. Review status: criteria provided, single submitter. Criteria: Ambry Variant Classification Scheme 2023. Collection method: clinical testing. Allele origin: germline.
Comment: The c.738+4A>G intronic variant results from an A to G substitution 4 nucleotides after coding exon 8 in the RAD51D gene. This nucleotide position is highly conserved in available vertebrate species. In silico splice site analysis predicts that this alteration will weaken the native splice donor site. RNA studies have demonstrated that this variant results in abnormal splicing in the set of samples tested (Ambry internal data). Based on the majority of available evidence to date, this variant is likely to be pathogenic.

Labcorp Genetics (formerly Invitae), Labcorp
Classification: Uncertain significance for Breast-ovarian cancer, familial, susceptibility to, 4. Last evaluated: 2023-11-01. Review status: criteria provided, single submitter. Criteria: Invitae Variant Classification Sherloc (09022015). Collection method: clinical testing. Allele origin: germline.
Comment: This sequence change falls in intron 8 of the RAD51D gene. It does not directly change the encoded amino acid sequence of the RAD51D protein. It affects a nucleotide within the consensus splice site. This variant is not present in population databases (gnomAD no frequency). This variant has not been reported in the literature in individuals affected with RAD51D-related conditions. ClinVar contains an entry for this variant (Variation ID: 480880). Variants that disrupt the consensus splice site are a relatively common cause of aberrant splicing (PMID: 17576681, 9536098). Algorithms developed to predict the effect of sequence changes on RNA splicing suggest that this variant may disrupt the consensus splice site. In summary, the available evidence is currently insufficient to determine the role of this variant in disease. Therefore, it has been classified as a Variant of Uncertain Significance.

Baylor Genetics
Classification: Uncertain significance for Breast-ovarian cancer, familial, susceptibility to, 4. Last evaluated: 2023-05-03. Review status: criteria provided, single submitter. Criteria: ACMG Guidelines, 2015. Collection method: clinical testing. Allele origin: unknown.

Literature cited by the submitters: PubMed 17576681 (cited by Labcorp Genetics (formerly Invitae), Labcorp); PubMed 9536098 (cited by Labcorp Genetics (formerly Invitae), Labcorp).